The following is an entry in ClinVar:

NM_058216.3(RAD51C):c.206T>A (p.Leu69His)

Gene: RAD51C (RAD51 paralog C; plus strand). Cytogenetic location: 17q22.
Variant type: single nucleotide variant.
Coding change: c.206T>A on transcript NM_058216.3 (MANE Select); coding-DNA position 206, T replaced by A.
Protein change: p.Leu69His; replaces leucine 69 with histidine.
Molecular consequence: missense variant. On other transcripts: non-coding transcript variant (2).
Genome position (GRCh38, 1-based): chr17:58,694,991, T>A. VCF-style: chr17-58694991-T-A. GRCh37 (hg19) VCF-style: chr17-56772352-T-A.
Other names: c.206T>A, p.Leu69His (NM_002876.4); short protein forms L69H.
Identifiers: ClinVar variation 4862935 (VCV004862935.1).

ClinVar aggregate classification (germline): Uncertain significance (1 of 4 stars; one submission).

Conditions:
Hereditary cancer-predisposing syndrome. Also called: Neoplastic Syndromes, Hereditary; Tumor predisposition; Hereditary Cancer Syndrome; Hereditary neoplastic syndrome. Identifiers: Orphanet 140162, MedGen C0027672, MeSH D009386, MONDO:0015356.

Submission:

Ambry Genetics
Classification: Uncertain significance for Hereditary cancer-predisposing syndrome. Last evaluated: 2026-04-23. Review status: criteria provided, single submitter. Criteria: Ambry Variant Classification Scheme 2023. Collection method: clinical testing. Allele origin: germline.
Comment: The p.L69H variant (also known as c.206T>A), located in coding exon 2 of the RAD51C gene, results from a T to A substitution at nucleotide position 206. The leucine at codon 69 is replaced by histidine, an amino acid with similar properties. This amino acid position is not well conserved in available vertebrate species. In addition, this alteration is predicted to be tolerated by in silico analysis. Based on the available evidence, the clinical significance of this variant remains unclear.